The following is an entry in ClinVar:

NM_000179.3(MSH6):c.3924C>G (p.Leu1308=)

Gene: MSH6 (mutS homolog 6; plus strand). Cytogenetic location: 2p16.3.
Variant type: single nucleotide variant.
Coding change: c.3924C>G on transcript NM_000179.3 (MANE Select); coding-DNA position 3924, C replaced by G.
Protein change: p.Leu1308=; no amino-acid change (leucine 1308 retained).
Molecular consequence: synonymous variant.
Genome position (GRCh38, 1-based): chr2:47,806,574, C>G. VCF-style: chr2-47806574-C-G. GRCh37 (hg19) VCF-style: chr2-48033713-C-G.
Other names: c.3534C>G, p.Leu1178= (NM_001281492.2); c.3018C>G, p.Leu1006= (NM_001281493.2, NM_001281494.2).
Identifiers: ClinVar variation 799686 (VCV000799686.12), dbSNP rs769973928, ClinGen allele CA426122160.
Genomic context (GRCh38, chr2:47,806,574, plus strand): 5'-ATTCATTAAGGGAGCTTGTCCTAAAAGCTATGGCTTTAATGCAGCAAGGCTTGCTAATCT[C>G]CCAGAGGAAGTTATTCAAAAGGGACATAGAAAAGCAAGAGAATTTGAGAAGATGAATCAG-3'
Protein context (NP_000170.1, residues 1298-1318): YGFNAARLAN[Leu1308=]PEEVIQKGHR

ClinVar aggregate classification (germline): Benign/Likely benign. Review status: criteria provided, multiple submitters, no conflicts (2 of 4 stars). 2 submissions from 2 submitters: Benign (1); Likely benign (1). Last evaluated 2025-01-08.

Conditions:
Lynch syndrome 5 (LYNCH5). Also called: Hereditary non-polyposis colorectal cancer, type 5; Colorectal cancer, hereditary nonpolyposis, type 5. Identifiers: Orphanet 144, MedGen C1833477, MONDO:0013710, OMIM 614350. Disease mechanism: loss of function.
Hereditary nonpolyposis colorectal neoplasms. Identifiers: MedGen C0009405, MeSH D003123.

Submissions (2):

Myriad Genetics, Inc.
Classification: Benign for Lynch syndrome 5. Last evaluated: 2025-01-08. Review status: criteria provided, single submitter. Criteria: Myriad Autosomal Dominant, Autosomal Recessive and X-Linked Classification Criteria (2023). Collection method: clinical testing. Allele origin: unknown.
Comment: This variant is considered benign. This variant is a silent/synonymous amino acid change and it is not expected to impact splicing.

Labcorp Genetics (formerly Invitae), Labcorp
Classification: Likely benign for Hereditary nonpolyposis colorectal neoplasms. Last evaluated: 2021-02-15. Review status: criteria provided, single submitter. Criteria: Invitae Variant Classification Sherloc (09022015). Collection method: clinical testing. Allele origin: germline.